The following is an entry in ClinVar:

ClinVar aggregate classification (germline): Benign/Likely benign. Review status: criteria provided, multiple submitters, no conflicts (2 of 4 stars). 4 submissions from 4 submitters: Benign (2); Likely benign (2). Last evaluated 2026-04-01.

Allele frequency attached by ClinVar (database versions not stated): ExAC 0.00120; ESP Exome Variant Server 0.00308; gnomAD 0.00365 and 0.00389; TOPMed 0.00406; 1000 Genomes Project 0.00459; 1000 Genomes Project 30x 0.00468.
gnomAD v4.1: 1,207 of 1,614,138 alleles (0.075%); highest among the groups gnomAD compares: African/African-American, 1.2%; 2 homozygotes.

Submissions (4):

CeGaT Center for Human Genetics Tuebingen
Classification: Likely benign. Last evaluated: 2026-04-01. Review status: criteria provided, single submitter. Criteria: CeGaT Center For Human Genetics Tuebingen Variant Classification Criteria Version 2. Collection method: clinical testing. Allele origin: germline. Affected: yes. Observed: 3 variant alleles.
Comment: UBR1: BP4, BS1

Labcorp Genetics (formerly Invitae), Labcorp
Classification: Benign. Last evaluated: 2026-01-28. Review status: criteria provided, single submitter. Criteria: Invitae Variant Classification Sherloc (09022015). Collection method: clinical testing. Allele origin: germline.

Blueprint Genetics
Classification: Likely benign. Last evaluated: 2024-11-25. Review status: criteria provided, single submitter. Criteria: ACMG Guidelines, 2015. Collection method: clinical testing. Allele origin: germline.

Breakthrough Genomics
Classification: Benign. Review status: criteria provided, single submitter. Criteria: ACMG Guidelines, 2015. Collection method: not provided. Allele origin: germline. Inheritance: Autosomal recessive inheritance. Affected: yes.

NM_174916.3(UBR1):c.1787A>T (p.Lys596Met)

Gene: UBR1 (ubiquitin protein ligase E3 component n-recognin 1; minus strand). Cytogenetic location: 15q15.2.
Variant type: single nucleotide variant.
Coding change: c.1787A>T on transcript NM_174916.3 (MANE Select); coding-DNA position 1787, A replaced by T.
Protein change: p.Lys596Met; replaces lysine 596 with methionine.
Molecular consequence: missense variant.
Genome position (GRCh38, 1-based): chr15:43,043,277, T>A on the plus strand (A>T on the coding strand, the complement: UBR1 is on the minus strand). VCF-style: chr15-43043277-T-A. GRCh37 (hg19) VCF-style: chr15-43335475-T-A.
Other names: short protein forms K596M.
Identifiers: ClinVar variation 779834 (VCV000779834.18), dbSNP rs34568456, ClinGen allele CA7518652.
Genomic context (GRCh38, chr15:43,043,277, plus strand): 5'-GCAAGGGTCCTAGAGAGTGGCAGATGTATGCTTACAAGATCCTCAGATACTCTGTAGGAC[T>A]TTGTTTCCAAACTATGTCCACACGATTGTACTACTGTCTTGCTACTAGATATGAAACTGG-3'
Protein context (NP_777576.1, residues 586-606): VQSCGHSLET[Lys596Met]SYRVSEDLVS